The following is an entry in ClinVar:

NM_031475.3(ESPN):c.1708C>T (p.Pro570Ser)

Gene: ESPN (espin; plus strand). Cytogenetic location: 1p36.31.
Variant type: single nucleotide variant.
Coding change: c.1708C>T on transcript NM_031475.3 (MANE Select); coding-DNA position 1708, C replaced by T.
Protein change: p.Pro570Ser; replaces proline 570 with serine.
Molecular consequence: missense variant. On other transcripts: intron variant (2).
Genome position (GRCh38, 1-based): chr1:6,448,884, C>T. VCF-style: chr1-6448884-C-T. GRCh37 (hg19) VCF-style: chr1-6508944-C-T.
Other names: c.1627-9C>T (NM_001367474.1, NM_001367473.1); short protein forms P570S.
Identifiers: ClinVar variation 1482647 (VCV001482647.5), dbSNP rs1396313792, ClinGen allele CA338097301.

ClinVar aggregate classification (germline): Uncertain significance. Review status: criteria provided, multiple submitters, no conflicts (2 of 4 stars). 2 submissions from 2 submitters: Uncertain significance (2). Last evaluated 2023-09-17.

Allele frequency attached by ClinVar (database versions not stated): gnomAD 0.00001; gnomAD exomes 0.00001; TOPMed 0.00001.
gnomAD v4.1: 16 of 1,324,176 alleles (0.0012%); highest among the groups gnomAD compares: East Asian, 0.0033%; no homozygotes.

Submissions (2):

Labcorp Genetics (formerly Invitae), Labcorp
Classification: Uncertain significance. Last evaluated: 2023-09-17. Review status: criteria provided, single submitter. Criteria: Invitae Variant Classification Sherloc (09022015). Collection method: clinical testing. Allele origin: germline.
Comment: This sequence change replaces proline, which is neutral and non-polar, with serine, which is neutral and polar, at codon 570 of the ESPN protein (p.Pro570Ser). This variant is not present in population databases (gnomAD no frequency). This variant has not been reported in the literature in individuals affected with ESPN-related conditions. ClinVar contains an entry for this variant (Variation ID: 1482647). An algorithm developed to predict the effect of missense changes on protein structure and function (PolyPhen-2) suggests that this variant¬†is likely to be tolerated. In summary, the available evidence is currently insufficient to determine the role of this variant in disease. Therefore, it has been classified as a Variant of Uncertain Significance.

GeneDx
Classification: Uncertain significance. Last evaluated: 2022-04-14. Review status: criteria provided, single submitter. Criteria: GeneDx Variant Classification Process June 2021. Collection method: clinical testing. Allele origin: germline. Affected: yes.
Comment: Not observed at significant frequency in large population cohorts (gnomAD); In silico analysis supports that this missense variant does not alter protein structure/function; Has not been previously published as pathogenic or benign to our knowledge